The following is an entry in ClinVar:

NM_001999.4(FBN2):c.1765G>A (p.Gly589Ser)

Gene: FBN2 (fibrillin 2; minus strand). Cytogenetic location: 5q23.3.
Variant type: single nucleotide variant.
Coding change: c.1765G>A on transcript NM_001999.4 (MANE Select); coding-DNA position 1765, G replaced by A.
Protein change: p.Gly589Ser; replaces glycine 589 with serine.
Molecular consequence: missense variant.
Genome position (GRCh38, 1-based): chr5:128,377,836, C>T on the plus strand (G>A on the coding strand, the complement: FBN2 is on the minus strand). VCF-style: chr5-128377836-C-T. GRCh37 (hg19) VCF-style: chr5-127713529-C-T.
Other names: short protein forms G589S.
Identifiers: ClinVar variation 388976 (VCV000388976.11), dbSNP rs1057523294, ClinGen allele CA16604842.

ClinVar aggregate classification (germline): Uncertain significance. Review status: criteria provided, multiple submitters, no conflicts (2 of 4 stars). 2 submissions from 2 submitters: Uncertain significance (2). Last evaluated 2024-05-21.

Conditions:
Congenital contractural arachnodactyly (CCA). Also called: BEALS SYNDROME; Beals-Hecht syndrome; Arthrogryposis, distal, type 9. Identifiers: Orphanet 115, MedGen C0220668, MONDO:0007363, OMIM 121050.

Allele frequency attached by ClinVar (database versions not stated): gnomAD 0.00001; gnomAD exomes 0.00001; TOPMed 0.00002.
gnomAD v4.1: 23 of 1,613,286 alleles (0.0014%); highest among the groups gnomAD compares: African/African-American, 0.0027%; no homozygotes.

Submissions (2):

Labcorp Genetics (formerly Invitae), Labcorp
Classification: Uncertain significance for Congenital contractural arachnodactyly. Last evaluated: 2024-05-21. Review status: criteria provided, single submitter. Criteria: Invitae Variant Classification Sherloc (09022015). Collection method: clinical testing. Allele origin: germline.
Comment: This sequence change replaces glycine, which is neutral and non-polar, with serine, which is neutral and polar, at codon 589 of the FBN2 protein (p.Gly589Ser). This variant is present in population databases (no rsID available, gnomAD 0.002%). This variant has not been reported in the literature in individuals affected with FBN2-related conditions. ClinVar contains an entry for this variant (Variation ID: 388976). Advanced modeling of protein sequence and biophysical properties (such as structural, functional, and spatial information, amino acid conservation, physicochemical variation, residue mobility, and thermodynamic stability) performed at Invitae indicates that this missense variant is expected to disrupt FBN2 protein function with a positive predictive value of 80%. In summary, the available evidence is currently insufficient to determine the role of this variant in disease. Therefore, it has been classified as a Variant of Uncertain Significance.

GeneDx
Classification: Uncertain significance. Last evaluated: 2016-08-29. Review status: criteria provided, single submitter. Criteria: GeneDx Variant Classification (06012015). Collection method: clinical testing. Allele origin: germline. Affected: yes.
Comment: The G589S variant of uncertain significance in the FBN2 gene has not been published as a pathogenic or benign variant to our knowledge. This variant was not observed in approximately 6,500 individuals of European and African American ancestry in the NHLBI Exome Sequencing Project, indicating it is not a common benign variant in these populations. The G589S variant is a non-conservative amino acid substitution, which is likely to impact secondary protein structure as these residues differ in polarity, charge, size and/or other properties. This substitution also occurs at a position that is conserved across species. Consequently, in silico analysis predicts this variant is probably damaging to the protein structure/function. Nevertheless, although the G589S variant is within a calcium-binding EGF-like domain of the FBN2 gene, it does not affect a Cysteine residue. Cysteine substitutions in the calcium binding EGF-like domains represent the majority of pathogenic missense changes associated with FBN2-related disorders (Collod-Beroud et al., 2003; FrÃ©dÃ©ric et al., 2009). Therefore, based on the currently available information, it is unclear whether this variant is pathogenic or rare benign.